The following is an entry in ClinVar:

ClinVar aggregate classification (germline): Likely benign. Review status: criteria provided, multiple submitters, no conflicts (2 of 4 stars). 7 submissions from 5 submitters: Likely benign (7). Last evaluated 2025-08-23.

Conditions:
Cardiomyopathy, familial restrictive, 3. Identifiers: Orphanet 75249, MedGen C2676271, MONDO:0012900, OMIM 612422.
Hypertrophic cardiomyopathy 2. Also called: TNNT2-Related Familial Hypertrophic Cardiomyopathy. Identifiers: MedGen C1861864, MONDO:0007266, OMIM 115195.
Dilated cardiomyopathy 1D. Identifiers: Orphanet 154, Orphanet 54260, MedGen C1832243, MONDO:0011095, OMIM 601494.
Cardiovascular phenotype. Identifiers: MedGen CN230736.
Cardiomyopathy (CMYO). Also called: Cardiomyopathies. Identifiers: Orphanet 167848, MedGen C0878544, MONDO:0004994, HP:0001638. Inheritance: Various modes of inheritance.

Allele frequency attached by ClinVar (database versions not stated): gnomAD 0.00001; TOPMed 0.00001.
gnomAD v4.1: 12 of 1,613,870 alleles (0.00074%); highest among the groups gnomAD compares: Admixed American, 0.0083%; no homozygotes.

Submissions (7):

Labcorp Genetics (formerly Invitae), Labcorp
Classification: Likely benign for Cardiomyopathy, familial restrictive, 3; Hypertrophic cardiomyopathy 2; Dilated cardiomyopathy 1D. Last evaluated: 2025-08-23. Review status: criteria provided, single submitter. Criteria: Invitae Variant Classification Sherloc (09022015). Collection method: clinical testing. Allele origin: germline.

All of Us Research Program, National Institutes of Health
Classification: Likely benign for Cardiomyopathy. Last evaluated: 2023-10-02. Review status: criteria provided, single submitter. Criteria: ACMG Guidelines, 2015. Collection method: clinical testing. Allele origin: germline. Inheritance: Autosomal dominant inheritance. Observed: 2 variant alleles, 2 heterozygotes.
Comment: This study involves interpretation of variants in research participants for the purpose of population health screening. Participant phenotype was not available at the time of variant classification. Additional details can be found in publication PMID: 35346344, PMCID: PMC8962531

Genome-Nilou Lab
Classification: Likely benign for Dilated cardiomyopathy 1D. Last evaluated: 2023-04-11. Review status: criteria provided, single submitter. Criteria: ACMG Guidelines, 2015. Collection method: clinical testing. Allele origin: germline. Affected: no.

Genome-Nilou Lab
Classification: Likely benign for Cardiomyopathy, familial restrictive, 3. Last evaluated: 2023-04-11. Review status: criteria provided, single submitter. Criteria: ACMG Guidelines, 2015. Collection method: clinical testing. Allele origin: germline. Affected: no.

Genome-Nilou Lab
Classification: Likely benign for Hypertrophic cardiomyopathy 2. Last evaluated: 2023-04-11. Review status: criteria provided, single submitter. Criteria: ACMG Guidelines, 2015. Collection method: clinical testing. Allele origin: germline. Affected: no.

Ambry Genetics
Classification: Likely benign for Cardiovascular phenotype. Last evaluated: 2022-08-17. Review status: criteria provided, single submitter. Criteria: Ambry Variant Classification Scheme 2023. Collection method: clinical testing. Allele origin: germline.

Color Diagnostics, LLC DBA Color Health
Classification: Likely benign for Cardiomyopathy. Last evaluated: 2019-04-14. Review status: criteria provided, single submitter. Criteria: ACMG Guidelines, 2015. Collection method: clinical testing. Allele origin: germline.

NM_001276345.2(TNNT2):c.390C>T (p.Leu130=)

Gene: TNNT2 (troponin T2, cardiac type; minus strand). Cytogenetic location: 1q32.1.
Variant type: single nucleotide variant.
Coding change: c.390C>T on transcript NM_001276345.2 (MANE Select); coding-DNA position 390, C replaced by T.
Protein change: p.Leu130=; no amino-acid change (leucine 130 retained).
Molecular consequence: synonymous variant. On other transcripts: intron variant (1).
Genome position (GRCh38, 1-based): chr1:201,365,212, G>A on the plus strand (C>T on the coding strand, the complement: TNNT2 is on the minus strand). VCF-style: chr1-201365212-G-A. GRCh37 (hg19) VCF-style: chr1-201334340-G-A.
Other names: c.390C>T, p.Leu130= (NM_000364.4); c.360C>T, p.Leu120= (NM_001001430.3, NM_001001431.3, NM_001276347.2); c.345C>T, p.Leu115= (NM_001001432.3); c.291+398C>T (NM_001276346.2).
Identifiers: ClinVar variation 469521 (VCV000469521.14), dbSNP rs758543857, ClinGen allele CA422532473.